The following is an entry in ClinVar:

NM_001008537.3(NEXMIF):c.4500G>T (p.Trp1500Cys)

Gene: NEXMIF (neurite extension and migration factor; minus strand). Cytogenetic location: Xq13.3.
Variant type: single nucleotide variant.
Coding change: c.4500G>T on transcript NM_001008537.3 (MANE Select); coding-DNA position 4500, G replaced by T.
Protein change: p.Trp1500Cys; replaces tryptophan 1500 with cysteine.
Molecular consequence: missense variant.
Genome position (GRCh38, 1-based): chrX:74,739,456, C>A on the plus strand (G>T on the coding strand, the complement: NEXMIF is on the minus strand). VCF-style: chrX-74739456-C-A. GRCh37 (hg19) VCF-style: chrX-73959291-C-A.
Other names: short protein forms W1500C.
Identifiers: ClinVar variation 3764373 (VCV003764373.2).

ClinVar aggregate classification (germline): Uncertain significance (1 of 4 stars; one submission).

Submission:

GeneDx
Classification: Uncertain significance. Last evaluated: 2025-04-01. Review status: criteria provided, single submitter. Criteria: GeneDx Variant Classification Process June 2021. Collection method: clinical testing. Allele origin: germline.
Comment: Not observed at significant frequency in large population cohorts (gnomAD); In silico analysis indicates that this missense variant does not alter protein structure/function; Has not been previously published as pathogenic or benign to our knowledge